The following is an entry in ClinVar:

ClinVar aggregate classification (germline): Uncertain significance (1 of 4 stars; one submission).

Conditions:
Arrhythmogenic cardiomyopathy with wooly hair and keratoderma. Also called: Carvajal syndrome; PALMOPLANTAR KERATODERMA WITH LEFT VENTRICULAR CARDIOMYOPATHY AND WOOLLY HAIR; Dilated cardiomyopathy with woolly hair and keratoderma; Arrhythmogenic cardiomyopathy with woolly hair and keratoderma. Identifiers: Orphanet 65282, MedGen C1854063, MONDO:0011581, OMIM 605676.

Submission:

All of Us Research Program, National Institutes of Health
Classification: Uncertain significance for Arrhythmogenic cardiomyopathy with wooly hair and keratoderma. Last evaluated: 2024-04-25. Review status: criteria provided, single submitter. Criteria: ACMG Guidelines, 2015. Collection method: clinical testing. Allele origin: germline. Inheritance: Autosomal dominant inheritance. Observed: 1 variant allele, 1 heterozygote.
Comment: This missense variant replaces isoleucine with phenylalanine at codon 950 of the DSP protein. Computational prediction suggests that this variant may not impact protein structure and function (internally defined REVEL score threshold <= 0.5, PMID: 27666373). To our knowledge, functional studies have not been reported for this variant. This variant has not been reported in individuals affected with DSP-related disorders in the literature. This variant has not been identified in the general population by the Genome Aggregation Database (gnomAD). The available evidence is insufficient to determine the role of this variant in disease conclusively. Therefore, this variant is classified as a Variant of Uncertain Significance.

This study involves interpretation of variants in research participants for the purpose of population health screening. Participant phenotype was not available at the time of variant classification. Additional details can be found in publication PMID: 35346344, PMCID: PMC8962531

NM_004415.4(DSP):c.2848A>T (p.Ile950Phe)

Gene: DSP (desmoplakin; plus strand). Cytogenetic location: 6p24.3.
Variant type: single nucleotide variant.
Coding change: c.2848A>T on transcript NM_004415.4 (MANE Select); coding-DNA position 2848, A replaced by T.
Protein change: p.Ile950Phe; replaces isoleucine 950 with phenylalanine.
Molecular consequence: missense variant.
Genome position (GRCh38, 1-based): chr6:7,577,013, A>T. VCF-style: chr6-7577013-A-T. GRCh37 (hg19) VCF-style: chr6-7577246-A-T.
Other names: c.2848A>T, p.Ile950Phe (NM_001008844.3, NM_001319034.2); short protein forms I950F.
Identifiers: ClinVar variation 3386650 (VCV003386650.1).